The following is an entry in ClinVar:

NM_001378120.1(MBD5):c.1586T>G (p.Ile529Arg)

Gene: MBD5 (methyl-CpG binding domain protein 5; plus strand). Cytogenetic location: 2q23.1.
Variant type: single nucleotide variant.
Coding change: c.1586T>G on transcript NM_001378120.1 (MANE Select); coding-DNA position 1586, T replaced by G.
Protein change: p.Ile529Arg; replaces isoleucine 529 with arginine.
Molecular consequence: missense variant.
Genome position (GRCh38, 1-based): chr2:148,469,529, T>G. VCF-style: chr2-148469529-T-G. GRCh37 (hg19) VCF-style: chr2-149227098-T-G.
Other names: c.1586T>G, p.Ile529Arg (NM_001438854.1, NM_001438855.1, NM_001438856.1 and 7 more transcripts); short protein forms I529R.
Identifiers: ClinVar variation 4741378 (VCV004741378.1).
Genomic context (GRCh38, chr2:148,469,529, plus strand): 5'-CTACCAAGTCCGATGGACATCATCAGTACAAGGATATCCCTAACCCATTAATTGCTGGAA[T>G]AAGTAATGTACTAAATACCCCAAGCAGTGCAGCTTTTCCTACTGCATCTGCCGGAAGTAG-3'
Protein context (NP_001365049.1, residues 519-539): KDIPNPLIAG[Ile529Arg]SNVLNTPSSA

ClinVar aggregate classification (germline): Uncertain significance (1 of 4 stars; one submission).

Conditions:
Intellectual developmental disorder, autosomal dominant 1. Also called: MBD5 Haploinsufficiency; Intellectual disability, autosomal dominant 1. Identifiers: Orphanet 228402, MedGen C1969562, MONDO:0007974, OMIM 156200.

Submission:

Labcorp Genetics (formerly Invitae), Labcorp
Classification: Uncertain significance for Intellectual developmental disorder, autosomal dominant 1. Last evaluated: 2025-07-27. Review status: criteria provided, single submitter. Criteria: Invitae Variant Classification Sherloc (09022015). Collection method: clinical testing. Allele origin: germline.
Comment: This sequence change replaces isoleucine, which is neutral and non-polar, with arginine, which is basic and polar, at codon 529 of the MBD5 protein (p.Ile529Arg). This variant is not present in population databases (gnomAD no frequency). This variant has not been reported in the literature in individuals affected with MBD5-related conditions. Invitae Evidence Modeling of protein sequence and biophysical properties (such as structural, functional, and spatial information, amino acid conservation, physicochemical variation, residue mobility, and thermodynamic stability) indicates that this missense variant is not expected to disrupt MBD5 protein function with a negative predictive value of 80%. In summary, the available evidence is currently insufficient to determine the role of this variant in disease. Therefore, it has been classified as a Variant of Uncertain Significance.